The following is an entry in ClinVar:

ClinVar aggregate classification (germline): Pathogenic (1 of 4 stars; one submission).

Conditions:
Hereditary breast ovarian cancer syndrome. Also called: Hereditary breast and ovarian cancer; Hereditary breast and ovarian cancer syndrome; Breast and ovarian cancer; BRCA1- and BRCA2-Associated Hereditary Breast and Ovarian Cancer; Hereditary breast and/or ovarian cancer syndrome; Hereditary breast and ovarian cancer syndrome (HBOC). Identifiers: Orphanet 145, MedGen C0677776, MeSH D061325, MONDO:0003582. Disease mechanism: loss of function.

Submission:

Labcorp Genetics (formerly Invitae), Labcorp
Classification: Pathogenic for Hereditary breast ovarian cancer syndrome. Last evaluated: 2022-02-23. Review status: criteria provided, single submitter. Criteria: Invitae Variant Classification Sherloc (09022015). Collection method: clinical testing. Allele origin: germline.
Comment: This premature translational stop signal has been observed in individual(s) with breast cancer and/or ovarian cancer (PMID: 28486781, 30606148). For these reasons, this variant has been classified as Pathogenic. This variant is not present in population databases (gnomAD no frequency). This sequence change creates a premature translational stop signal (p.Glu1373*) in the BRCA1 gene. It is expected to result in an absent or disrupted protein product. Loss-of-function variants in BRCA1 are known to be pathogenic (PMID: 20104584).

Literature cited by the submitters: PubMed 28486781; PubMed 30606148; PubMed 20104584.

NM_007294.4(BRCA1):c.4116dup (p.Glu1373Ter)

Gene: BRCA1 (BRCA1 DNA repair associated; minus strand). Cytogenetic location: 17q21.31.
Variant type: Duplication.
Coding change: c.4116dup on transcript NM_007294.4 (MANE Select); coding-DNA position 4116, one base duplicated (T; older notation c.4116dupT).
Protein change: p.Glu1373Ter; replaces glutamic acid 1373 with a stop codon.
Molecular consequence: nonsense. On other transcripts: frameshift variant (365), non-coding transcript variant (1).
Genome position (GRCh38, 1-based): chr17:43,091,013, A duplicated on the plus strand (T on the coding strand, the reverse complement: BRCA1 is on the minus strand). VCF-style (leftmost placement, unchanged base first): chr17-43091012-C-CA. GRCh37 (hg19) VCF-style: chr17-41243029-C-CA.
Other names: c.480dup, p.Glu161Terfs (NM_001408506.1, NM_001408507.1); c.471dup, p.Glu158Terfs (NM_001408508.1, NM_001408509.1); c.426dup, p.Glu143Terfs (NM_001408510.1); c.423dup, p.Glu142Terfs (NM_001408511.1); c.303dup, p.Glu102Terfs (NM_001408512.1); c.597dup, p.Glu200Terfs (NM_001408513.1, NM_001408514.1, NM_001408478.1 and 9 more transcripts); c.3975dup, p.Glu1326Ter (NM_007297.4); c.807dup, p.Glu270Terfs (NM_007298.4, NM_007304.2, NM_001407970.1 and 17 more transcripts); and 44 more; short protein forms E1326*, E1373*, E270*.
Identifiers: ClinVar variation 2102633 (VCV002102633.4), dbSNP rs398122682, ClinGen allele CA2580094041.
Genomic context (GRCh38, chr17:43,091,012, plus strand): 5'-TTAAAATGTCACTCTGAGAGGATAGCCCTGAGCAGTCTTCAGAGACGCTTGTTTCACTCT[C>CA]ACACCCAGATGCTGCTTCACCTTAAATAACAAAAACAGAGGTTCAGATGTAAAAGCAGAC-3'